The following is an entry in ClinVar:

NM_005535.3(IL12RB1):c.1791+1G>A

Gene: IL12RB1 (interleukin 12 receptor subunit beta 1; minus strand). Cytogenetic location: 19p13.11.
Variant type: single nucleotide variant.
Coding change: c.1791+1G>A on transcript NM_005535.3 (MANE Select); the canonical splice donor site of the intron after coding-DNA position 1791, G replaced by A.
Molecular consequence: splice donor variant.
Genome position (GRCh38, 1-based): chr19:18,061,121, C>T on the plus strand (G>A on the coding strand, the complement: IL12RB1 is on the minus strand). VCF-style: chr19-18061121-C-T. GRCh37 (hg19) VCF-style: chr19-18171931-C-T.
Other names: c.1911+1G>A (NM_001290024.2); c.1791+1G>A (NM_001290023.2); c.1812+1G>A (NM_001440425.1, NM_001440424.1).
Identifiers: ClinVar variation 4740081 (VCV004740081.1).
Genomic context (GRCh38, chr19:18,061,121, plus strand): 5'-TAACCCTTGTCCAGCATGTGCACCCAATAAAAAGACTTGGAATTAGAAAAGGCATCCTTA[C>T]CTCCTTCCCTCCAGGGAACTCAATGGCGGAGCTGGCACAGGGTGTGGGCAGCGGCGGGCA-3'

ClinVar aggregate classification (germline): Likely pathogenic (1 of 4 stars; one submission).

Conditions:
Mendelian susceptibility to mycobacterial diseases due to complete IL12RB1 deficiency. Also called: IL12RB1 DEFICIENCY; Immunodeficiency 30. Identifiers: Orphanet 319552, MedGen C4013949, MONDO:0013955, OMIM 614891.

gnomAD v4.1: 8 of 1,552,654 alleles (0.00052%); highest among the groups gnomAD compares: Admixed American, 0.0034%; no homozygotes.

Submission:

Labcorp Genetics (formerly Invitae), Labcorp
Classification: Likely pathogenic for Mendelian susceptibility to mycobacterial diseases due to complete IL12RB1 deficiency. Last evaluated: 2025-02-27. Review status: criteria provided, single submitter. Criteria: Invitae Variant Classification Sherloc (09022015). Collection method: clinical testing. Allele origin: germline.
Comment: This sequence change affects a donor splice site in intron 15 of the IL12RB1 gene. It is expected to disrupt RNA splicing. Variants that disrupt the donor or acceptor splice site typically lead to a loss of protein function (PMID: 16199547), and loss-of-function variants in IL12RB1 are known to be pathogenic (PMID: 9603733, 12591909). The frequency data for this variant in the population databases is considered unreliable, as metrics indicate poor data quality at this position in the gnomAD database. This variant has not been reported in the literature in individuals affected with IL12RB1-related conditions. Algorithms developed to predict the effect of sequence changes on RNA splicing suggest that this variant may disrupt the consensus splice site. In summary, the currently available evidence indicates that the variant is pathogenic, but additional data are needed to prove that conclusively. Therefore, this variant has been classified as Likely Pathogenic.

Literature cited by the submitters: PubMed 16199547; PubMed 9603733; PubMed 12591909.